The following is an entry in ClinVar:

ClinVar aggregate classification (germline): Uncertain significance (1 of 4 stars; one submission).

Conditions:
Congenital disorder of deglycosylation (CDDG). Identifiers: MedGen C3808991, MONDO:0031376.

Submission:

Labcorp Genetics (formerly Invitae), Labcorp
Classification: Uncertain significance for Congenital disorder of deglycosylation. Last evaluated: 2022-04-19. Review status: criteria provided, single submitter. Criteria: Invitae Variant Classification Sherloc (09022015). Collection method: clinical testing. Allele origin: germline.
Comment: In summary, the available evidence is currently insufficient to determine the role of this variant in disease. Therefore, it has been classified as a Variant of Uncertain Significance. Algorithms developed to predict the effect of missense changes on protein structure and function output the following: SIFT: "Tolerated"; PolyPhen-2: "Benign"; Align-GVGD: "Class C0". The histidine amino acid residue is found in multiple mammalian species, which suggests that this missense change does not adversely affect protein function. This variant has not been reported in the literature in individuals affected with NGLY1-related conditions. This variant is not present in population databases (gnomAD no frequency). This sequence change replaces glutamine, which is neutral and polar, with histidine, which is basic and polar, at codon 577 of the NGLY1 protein (p.Gln577His).

NM_018297.4(NGLY1):c.1731G>C (p.Gln577His)

Gene: NGLY1 (N-glycanase 1; minus strand). Cytogenetic location: 3p24.2.
Variant type: single nucleotide variant.
Coding change: c.1731G>C on transcript NM_018297.4 (MANE Select); coding-DNA position 1731, G replaced by C.
Protein change: p.Gln577His; replaces glutamine 577 with histidine.
Molecular consequence: missense variant. On other transcripts: intron variant (1).
Genome position (GRCh38, 1-based): chr3:25,720,072, C>G on the plus strand (G>C on the coding strand, the complement: NGLY1 is on the minus strand). VCF-style: chr3-25720072-C-G. GRCh37 (hg19) VCF-style: chr3-25761563-C-G.
Other names: c.1677G>C, p.Gln559His (NM_001145293.2); c.1605G>C, p.Gln535His (NM_001145294.2); c.1612-437G>C (NM_001145295.2); short protein forms Q559H, Q535H, Q577H.
Identifiers: ClinVar variation 2127960 (VCV002127960.4), dbSNP rs752373766, ClinGen allele CA351894021.